The following is an entry in ClinVar:

NM_000540.3(RYR1):c.14667C>A (p.Tyr4889Ter)

Gene: RYR1 (ryanodine receptor 1; plus strand). Cytogenetic location: 19q13.2.
Variant type: single nucleotide variant.
Coding change: c.14667C>A on transcript NM_000540.3 (MANE Select); coding-DNA position 14667, C replaced by A.
Protein change: p.Tyr4889Ter; replaces tyrosine 4889 with a stop codon.
Molecular consequence: nonsense.
Genome position (GRCh38, 1-based): chr19:38,584,963, C>A. VCF-style: chr19-38584963-C-A. GRCh37 (hg19) VCF-style: chr19-39075603-C-A.
Other names: c.14652C>A, p.Tyr4884Ter (NM_001042723.2); short protein forms Y4884*, Y4889*.
Identifiers: ClinVar variation 647148 (VCV000647148.10), dbSNP rs193922887, ClinGen allele CA405690192.
Genomic context (GRCh38, chr19:38,584,963, plus strand): 5'-TGTCGAATGAATGAGTGACCAGTGTGCTCCCCTCCCTCAGTGTTACCTGTTTCACATGTA[C>A]GTGGGTGTCCGGGCTGGCGGAGGCATTGGGGACGAGATCGAGGACCCCGCGGGTGACGAA-3'

ClinVar aggregate classification (germline): Pathogenic. Review status: criteria provided, multiple submitters, no conflicts (2 of 4 stars). 2 submissions from 2 submitters: Pathogenic (2). Last evaluated 2020-12-15.

Conditions:
RYR1-related disorder. Also called: RYR1-related disorders; RYR1-related condition. Identifiers: MedGen CN239331.
Central core myopathy (CMYO1A). Also called: CONGENITAL MYOPATHY 1A, AUTOSOMAL DOMINANT, WITH SUSCEPTIBILITY TO MALIGNANT HYPERTHERMIA; Central core disease; Myopathy, central fibrillar. Identifiers: Orphanet 597, MedGen C5830701, MONDO:0007294, OMIM 117000.

gnomAD v4.1: 1 of 1,613,964 alleles (0.000062%); highest among the groups gnomAD compares: Non-Finnish European, 0.000085%; no homozygotes.

Submissions (2):

Labcorp Genetics (formerly Invitae), Labcorp
Classification: Pathogenic for RYR1-related disorder. Last evaluated: 2020-12-15. Review status: criteria provided, single submitter. Criteria: Invitae Variant Classification Sherloc (09022015). Collection method: clinical testing. Allele origin: germline.
Comment: This sequence change creates a premature translational stop signal (p.Tyr4889*) in the RYR1 gene. It is expected to result in an absent or disrupted protein product. This variant is not present in population databases (ExAC no frequency). This truncation has been observed in the heterozygous state in a family affected with congenital myopathy; however, the full gene was not sequenced and the clinical significance of this variant in autosomal dominant RYR1-related conditions is currently unknown (PMID: 17483490). ClinVar contains an entry for this variant (Variation ID: 647148). Algorithms developed to predict the effect of sequence changes on RNA splicing suggest that this variant may create or strengthen a splice site, but this prediction has not been confirmed by published transcriptional studies. Loss-of-function variants in RYR1 are known to be pathogenic (PMID: 20583297, 23919265). For these reasons, this variant has been classified as Pathogenic.

Rady Children's Institute for Genomic Medicine, Rady Children's Hospital San Diego
Classification: Pathogenic for CENTRAL CORE DISEASE OF MUSCLE. Last evaluated: 2018-11-15. Review status: criteria provided, single submitter. Criteria: ACMG Guidelines, 2015. Collection method: clinical testing. Allele origin: germline. Affected: yes. Observed: 1 variant allele.
Comment: This nonsense variant found in exon 102 of 106 is predicted to result in loss of normal protein function. This variant has not been previously reported to our knowledge, however, a different variant involving the same nucleotide (c.14667C>G (p.Tyr4889Ter)) has been reported as a heterozygous change in a patient with childhood-onset myopathy (PMID: 21911697, 17483490). Although the reported c.14667C>G variant is also predicted to result in a premature termination codon, RNA studies performed on muscle tissue from the affected patient indicated that the c.14667C>G variant leads to creation of a novel splice site resulting in an in-frame deletion of the first 21 nucleotides of exon 102 (PMID: 17483490). The c.14667C>A (p.Tyr4889Ter) variant detected in this individual is absent from the ExAC and gnomAD population databases and thus is presumed to be rare. Analysis of the parental samples was negative for the variant, indicating this variant likely occurred as a de novo event. Based on the available evidence, the c.14667C>A (p.Tyr4889Ter) variant is classified as pathogenic.

Literature cited by the submitters: PubMed 17483490 (cited by Labcorp Genetics (formerly Invitae), Labcorp); PubMed 20583297 (cited by Labcorp Genetics (formerly Invitae), Labcorp); PubMed 23919265 (cited by Labcorp Genetics (formerly Invitae), Labcorp).